The following is an entry in ClinVar:

NM_001814.6(CTSC):c.796A>G (p.Met266Val)

Gene: CTSC (cathepsin C; minus strand). Cytogenetic location: 11q14.2.
Variant type: single nucleotide variant.
Coding change: c.796A>G on transcript NM_001814.6 (MANE Select); coding-DNA position 796, A replaced by G.
Protein change: p.Met266Val; replaces methionine 266 with valine.
Molecular consequence: missense variant.
Genome position (GRCh38, 1-based): chr11:88,296,226, T>C on the plus strand (A>G on the coding strand, the complement: CTSC is on the minus strand). VCF-style: chr11-88296226-T-C. GRCh37 (hg19) VCF-style: chr11-88029394-T-C.
Other names: short protein forms M266V.
Identifiers: ClinVar variation 944290 (VCV000944290.8), dbSNP rs1163198991, ClinGen allele CA382022823.

ClinVar aggregate classification (germline): Uncertain significance (1 of 4 stars; one submission).

Conditions:
Haim-Munk syndrome (HMS). Also called: COCHIN JEWISH DISORDER; KERATOSIS PALMOPLANTARIS WITH PERIODONTOPATHIA AND ONYCHOGRYPOSIS. Identifiers: Orphanet 2342, MedGen C1855627, MONDO:0009491, OMIM 245010.
Periodontitis, aggressive. Identifiers: MedGen C0031106, MONDO:0980757.
Papillon-Lefèvre syndrome (PALS). Also called: Papillon-Lefevre Disease; KERATOSIS PALMOPLANTARIS WITH PERIODONTOPATHIA. Identifiers: Orphanet 678, MedGen C0030360, MONDO:0009490, OMIM 245000.

Allele frequency attached by ClinVar (database versions not stated): gnomAD exomes 0.00001.
gnomAD v4.1: 10 of 1,613,902 alleles (0.00062%); highest among the groups gnomAD compares: South Asian, 0.0022%; no homozygotes.

Submission:

Labcorp Genetics (formerly Invitae), Labcorp
Classification: Uncertain significance for Haim-Munk syndrome; Periodontitis, aggressive; Papillon-Lefèvre syndrome. Last evaluated: 2019-07-15. Review status: criteria provided, single submitter. Criteria: Invitae Variant Classification Sherloc (09022015). Collection method: clinical testing. Allele origin: germline.
Comment: This sequence change replaces methionine with valine at codon 266 of the CTSC protein (p.Met266Val). The methionine residue is highly conserved and there is a small physicochemical difference between methionine and valine. This variant is not present in population databases (ExAC no frequency). In summary, the available evidence is currently insufficient to determine the role of this variant in disease. Therefore, it has been classified as a Variant of Uncertain Significance. Algorithms developed to predict the effect of missense changes on protein structure and function are either unavailable or do not agree on the potential impact of this missense change (SIFT: "Deleterious"; PolyPhen-2: "Benign"; Align-GVGD: "Class C0"). This variant has not been reported in the literature in individuals with CTSC-related conditions.